The following is an entry in ClinVar:

NM_198253.3(TERT):c.2438T>C (p.Met813Thr)

Gene: TERT (telomerase reverse transcriptase; minus strand). Cytogenetic location: 5p15.33.
Variant type: single nucleotide variant.
Coding change: c.2438T>C on transcript NM_198253.3 (MANE Select); coding-DNA position 2438, T replaced by C.
Protein change: p.Met813Thr; replaces methionine 813 with threonine.
Molecular consequence: missense variant.
Genome position (GRCh38, 1-based): chr5:1,271,149, A>G on the plus strand (T>C on the coding strand, the complement: TERT is on the minus strand). VCF-style: chr5-1271149-A-G. GRCh37 (hg19) VCF-style: chr5-1271264-A-G.
Other names: c.2438T>C, p.Met813Thr (NM_001193376.3, NM_003219.1); short protein forms M813T.
Identifiers: ClinVar variation 1791263 (VCV001791263.5), dbSNP rs2478200140, ClinGen allele CA359075717.

ClinVar aggregate classification (germline): Uncertain significance. Review status: criteria provided, multiple submitters, no conflicts (2 of 4 stars). 2 submissions from 2 submitters: Uncertain significance (2). Last evaluated 2023-01-14.

Conditions:
Dyskeratosis congenita, autosomal dominant 2. Identifiers: MedGen C3151443, MONDO:0013521, OMIM 613989.
Idiopathic Pulmonary Fibrosis. Also called: Idiopathic fibrosing alveolitis, chronic form; idiopathic fibrosing alveolitis. Identifiers: Orphanet 2032, MedGen C1800706, MeSH D054990, MONDO:0800504.
Dyskeratosis congenita. Identifiers: Orphanet 1775, MedGen C0265965, MONDO:0015780.

Submissions (2):

Labcorp Genetics (formerly Invitae), Labcorp
Classification: Uncertain significance for Dyskeratosis congenita, autosomal dominant 2; Idiopathic Pulmonary Fibrosis. Last evaluated: 2023-01-14. Review status: criteria provided, single submitter. Criteria: Invitae Variant Classification Sherloc (09022015). Collection method: clinical testing. Allele origin: germline.
Comment: ClinVar contains an entry for this variant (Variation ID: 1791263). In summary, the available evidence is currently insufficient to determine the role of this variant in disease. Therefore, it has been classified as a Variant of Uncertain Significance. Advanced modeling of protein sequence and biophysical properties (such as structural, functional, and spatial information, amino acid conservation, physicochemical variation, residue mobility, and thermodynamic stability) performed at Invitae indicates that this missense variant is not expected to disrupt TERT protein function. This variant has not been reported in the literature in individuals affected with TERT-related conditions. This variant is not present in population databases (gnomAD no frequency). This sequence change replaces methionine, which is neutral and non-polar, with threonine, which is neutral and polar, at codon 813 of the TERT protein (p.Met813Thr).

Ambry Genetics
Classification: Uncertain significance for Dyskeratosis congenita. Last evaluated: 2022-04-11. Review status: criteria provided, single submitter. Criteria: Ambry Variant Classification Scheme 2023. Collection method: clinical testing. Allele origin: germline.
Comment: The p.M813T variant (also known as c.2438T>C), located in coding exon 8 of the TERT gene, results from a T to C substitution at nucleotide position 2438. The methionine at codon 813 is replaced by threonine, an amino acid with similar properties. This amino acid position is conserved. In addition, this alteration is predicted to be tolerated by in silico analysis. Since supporting evidence is limited at this time, the clinical significance of this alteration remains unclear.